The following is an entry in ClinVar:

ClinVar aggregate classification (germline): Uncertain significance. Review status: criteria provided, multiple submitters, no conflicts (2 of 4 stars). 2 submissions from 2 submitters: Uncertain significance (2). Last evaluated 2025-02-03.

Conditions:
Brugada syndrome. Also called: Sudden Unexplained Death Syndrome; Sudden Unexplained Nocturnal Death Syndrome (SUNDS); Sudden unexplained nocturnal death syndrome; Sudden unexpected nocturnal death syndrome. Identifiers: Orphanet 130, MedGen C1142166, MONDO:0015263.
Cardiovascular phenotype. Identifiers: MedGen CN230736.

Allele frequency attached by ClinVar (database versions not stated): ExAC 0.00002; gnomAD 0.00002; 1000 Genomes Project 0.00020; 1000 Genomes Project 30x 0.00031; TOPMed below 0.00001; gnomAD exomes 0.00001.
gnomAD v4.1: 24 of 1,614,102 alleles (0.0015%); highest among the groups gnomAD compares: South Asian, 0.013%; no homozygotes.

Submissions (2):

Labcorp Genetics (formerly Invitae), Labcorp
Classification: Uncertain significance for Brugada syndrome. Last evaluated: 2025-02-03. Review status: criteria provided, single submitter. Criteria: Invitae Variant Classification Sherloc (09022015). Collection method: clinical testing. Allele origin: germline.
Comment: This sequence change replaces glutamic acid, which is acidic and polar, with lysine, which is basic and polar, at codon 39 of the SCN10A protein (p.Glu39Lys). This variant is present in population databases (rs570161889, gnomAD 0.02%). This variant has not been reported in the literature in individuals affected with SCN10A-related conditions. ClinVar contains an entry for this variant (Variation ID: 1736354). Invitae Evidence Modeling of protein sequence and biophysical properties (such as structural, functional, and spatial information, amino acid conservation, physicochemical variation, residue mobility, and thermodynamic stability) indicates that this missense variant is not expected to disrupt SCN10A protein function with a negative predictive value of 95%. In summary, the available evidence is currently insufficient to determine the role of this variant in disease. Therefore, it has been classified as a Variant of Uncertain Significance.

Ambry Genetics
Classification: Uncertain significance for Cardiovascular phenotype. Last evaluated: 2021-11-24. Review status: criteria provided, single submitter. Criteria: Ambry Variant Classification Scheme 2023. Collection method: clinical testing. Allele origin: germline.
Comment: The p.E39K variant (also known as c.115G>A), located in coding exon 1 of the SCN10A gene, results from a G to A substitution at nucleotide position 115. The glutamic acid at codon 39 is replaced by lysine, an amino acid with similar properties. This amino acid position is conserved. In addition, this alteration is predicted to be tolerated by in silico analysis. Since supporting evidence is limited at this time, the clinical significance of this alteration remains unclear.

NM_006514.4(SCN10A):c.115G>A (p.Glu39Lys)

Gene: SCN10A (sodium voltage-gated channel alpha subunit 10; minus strand). Cytogenetic location: 3p22.2.
Variant type: single nucleotide variant.
Coding change: c.115G>A on transcript NM_006514.4 (MANE Select); coding-DNA position 115, G replaced by A.
Protein change: p.Glu39Lys; replaces glutamic acid 39 with lysine.
Molecular consequence: missense variant.
Genome position (GRCh38, 1-based): chr3:38,793,896, C>T on the plus strand (G>A on the coding strand, the complement: SCN10A is on the minus strand). VCF-style: chr3-38793896-C-T. GRCh37 (hg19) VCF-style: chr3-38835387-C-T.
Other names: c.115G>A, p.Glu39Lys (NM_001293306.2, NM_001293307.2); short protein forms E39K.
Identifiers: ClinVar variation 1736354 (VCV001736354.3), dbSNP rs570161889, ClinGen allele CA2321304.